The following is an entry in ClinVar:

NM_182894.3(VSX2):c.438del (p.Lys147fs)

Gene: VSX2 (visual system homeobox 2; plus strand). Cytogenetic location: 14q24.3.
Variant type: Deletion.
Coding change: c.438del on transcript NM_182894.3 (MANE Select); coding-DNA position 438, one base deleted (G; older notation c.438delG).
Protein change: p.Lys147fs; shifts the reading frame from lysine 147.
Molecular consequence: frameshift variant.
Genome position (GRCh38, 1-based): chr14:74,241,249, G deleted; the last of 2 consecutive G bases (chr14:74,241,248-74,241,249); deleting either gives the same sequence. VCF-style (leftmost placement, unchanged base first): chr14-74241247-CG-C. GRCh37 (hg19) VCF-style: chr14-74707950-CG-C.
Other names: short protein forms K147fs.
Identifiers: ClinVar variation 2979108 (VCV002979108.3), dbSNP rs2139629943, ClinGen allele CA2730025822.

ClinVar aggregate classification (germline): Pathogenic (1 of 4 stars; one submission).

Conditions:
Isolated microphthalmia 2. Identifiers: Orphanet 2542, MedGen C1864720, MONDO:0012409, OMIM 610093.

Submission:

Labcorp Genetics (formerly Invitae), Labcorp
Classification: Pathogenic for Isolated microphthalmia 2. Last evaluated: 2025-10-01. Review status: criteria provided, single submitter. Criteria: Invitae Variant Classification Sherloc (09022015). Collection method: clinical testing. Allele origin: germline.
Comment: This sequence change creates a premature translational stop signal (p.Lys147Argfs*14) in the VSX2 gene. It is expected to result in an absent or disrupted protein product. Loss-of-function variants in VSX2 are known to be pathogenic (PMID: 20414678). This variant is not present in population databases (gnomAD no frequency). This variant has not been reported in the literature in individuals affected with VSX2-related conditions. ClinVar contains an entry for this variant (Variation ID: 2979108). For these reasons, this variant has been classified as Pathogenic.

Literature cited by the submitters: PubMed 20414678.